The following is an entry in ClinVar:

NM_000528.4(MAN2B1):c.712dup (p.Val238fs)

Gene: MAN2B1 (mannosidase alpha class 2B member 1; minus strand). Cytogenetic location: 19p13.13.
Variant type: Duplication.
Coding change: c.712dup on transcript NM_000528.4 (MANE Select); coding-DNA position 712, one base duplicated (G; older notation c.712dupG).
Protein change: p.Val238fs; shifts the reading frame from valine 238.
Molecular consequence: frameshift variant.
Genome position (GRCh38, 1-based): chr19:12,663,754, C duplicated on the plus strand (G on the coding strand, the reverse complement: MAN2B1 is on the minus strand); the first of 2 consecutive C bases (chr19:12,663,754-12,663,755); duplicating either gives the same sequence. VCF-style (leftmost placement, unchanged base first): chr19-12663753-A-AC. GRCh37 (hg19) VCF-style: chr19-12774567-A-AC.
Other names: c.712dup, p.Val238fs (NM_001173498.2, NM_001440570.1); short protein forms V238fs.
Identifiers: ClinVar variation 5011872 (VCV005011872.1).

ClinVar aggregate classification (germline): Pathogenic (1 of 4 stars; one submission).

Conditions:
Deficiency of alpha-mannosidase (MANSA). Also called: LYSOSOMAL ALPHA-D-MANNOSIDASE DEFICIENCY; Alpha-Mannosidosis; Mannosidosis, alpha-, types I and II. Identifiers: Orphanet 61, MedGen C0024748, MONDO:0009561, OMIM 248500.

Submission:

Myriad Genetics, Inc.
Classification: Pathogenic for Deficiency of alpha-mannosidase. Last evaluated: 2023-09-27. Review status: criteria provided, single submitter. Criteria: Myriad Autosomal Dominant, Autosomal Recessive and X-Linked Classification Criteria (2023). Collection method: clinical testing. Allele origin: unknown.
Comment: NM_000528.3(MAN2B1):c.712dupG(V238Gfs*86) is expected to be pathogenic in the context of alpha-mannosidosis. This variant is predicted to lead to an abnormal or absent protein product due to the creation of a premature termination codon in MAN2B1, a gene where loss-of-function variants are known to be pathogenic. Please note: this variant was assessed in the context of healthy population screening.